The following is an entry in ClinVar:

NM_001034853.2(RPGR):c.2284G>T (p.Glu762Ter)

Gene: RPGR (retinitis pigmentosa GTPase regulator; minus strand). Cytogenetic location: Xp11.4.
Variant type: single nucleotide variant.
Coding change: c.2284G>T on transcript NM_001034853.2 (MANE Select); coding-DNA position 2284, G replaced by T.
Protein change: p.Glu762Ter; replaces glutamic acid 762 with a stop codon.
Molecular consequence: nonsense. On other transcripts: intron variant (8).
Genome position (GRCh38, 1-based): chrX:38,286,715, C>A on the plus strand (G>T on the coding strand, the complement: RPGR is on the minus strand). VCF-style: chrX-38286715-C-A. GRCh37 (hg19) VCF-style: chrX-38145968-C-A.
Other names: c.1569+4244G>T (NM_001367249.1, NM_001367250.1); c.1902+379G>T (NM_001367245.1); c.1386+4244G>T (NM_001367251.1); c.1719+379G>T (NM_001367246.1); c.1572+4244G>T (NM_001367247.1); c.1905+379G>T (NM_000328.3); c.1602+4244G>T (NM_001367248.1); short protein forms E762*.
Identifiers: ClinVar variation 4733004 (VCV004733004.1).

ClinVar aggregate classification (germline): Pathogenic (1 of 4 stars; one submission).

Conditions:
Primary ciliary dyskinesia. Also called: Ciliary dyskinesia. Identifiers: Orphanet 244, MedGen C0008780, MONDO:0016575, HP:0012265.

Submission:

Labcorp Genetics (formerly Invitae), Labcorp
Classification: Pathogenic for Primary ciliary dyskinesia. Last evaluated: 2025-12-11. Review status: criteria provided, single submitter. Criteria: Invitae Variant Classification Sherloc (09022015). Collection method: clinical testing. Allele origin: germline.
Comment: This sequence change creates a premature translational stop signal (p.Glu762*) in the RPGR (ORF15) gene. While this is not anticipated to result in nonsense mediated decay, it is expected to disrupt the last 391 amino acid(s) of the RPGR (ORF15) protein. This variant is not present in population databases (gnomAD no frequency). This variant has not been reported in the literature in individuals affected with RPGR (ORF15)-related conditions. This variant disrupts a region of the RPGR (ORF15) protein in which other variant(s) (p.Leu1130Lysfs*13) have been determined to be pathogenic (PMID: 22264887; internal data). This suggests that this is a clinically significant region of the protein, and that variants that disrupt it are likely to be disease-causing. For these reasons, this variant has been classified as Pathogenic.

Literature cited by the submitters: PubMed 22264887.